The following is an entry in ClinVar:

NM_015450.3(POT1):c.338C>G (p.Pro113Arg)

Gene: POT1 (protection of telomeres 1; minus strand). Cytogenetic location: 7q31.33.
Variant type: single nucleotide variant.
Coding change: c.338C>G on transcript NM_015450.3 (MANE Select); coding-DNA position 338, C replaced by G.
Protein change: p.Pro113Arg; replaces proline 113 with arginine.
Molecular consequence: missense variant. On other transcripts: 5 prime UTR variant (1), non-coding transcript variant (3).
Genome position (GRCh38, 1-based): chr7:124,863,558, G>C on the plus strand (C>G on the coding strand, the complement: POT1 is on the minus strand). VCF-style: chr7-124863558-G-C. GRCh37 (hg19) VCF-style: chr7-124503612-G-C.
Other names: c.-56C>G (NM_001042594.2); short protein forms P113R.
Identifiers: ClinVar variation 2863814 (VCV002863814.3), dbSNP rs1554426986, ClinGen allele CA369060046.

ClinVar aggregate classification (germline): Uncertain significance (1 of 4 stars; one submission).

Conditions:
Tumor predisposition syndrome 3 (TPDS3). Also called: LONG TELOMERE SYNDROME, POT1-RELATED; POT1 Tumor Predisposition; Melanoma, cutaneous malignant, susceptibility to, 10; Glioma susceptibility 9. Identifiers: Orphanet 618, MedGen C4014476, MONDO:0014368, OMIM 615848.

Submission:

Labcorp Genetics (formerly Invitae), Labcorp
Classification: Uncertain significance for Tumor predisposition syndrome 3. Last evaluated: 2023-05-13. Review status: criteria provided, single submitter. Criteria: Invitae Variant Classification Sherloc (09022015). Collection method: clinical testing. Allele origin: germline.
Comment: This sequence change replaces proline, which is neutral and non-polar, with arginine, which is basic and polar, at codon 113 of the POT1 protein (p.Pro113Arg). This variant is not present in population databases (gnomAD no frequency). This variant has not been reported in the literature in individuals affected with POT1-related conditions. Advanced modeling of protein sequence and biophysical properties (such as structural, functional, and spatial information, amino acid conservation, physicochemical variation, residue mobility, and thermodynamic stability) performed at Invitae indicates that this missense variant is not expected to disrupt POT1 protein function. In summary, the available evidence is currently insufficient to determine the role of this variant in disease. Therefore, it has been classified as a Variant of Uncertain Significance.